The following is an entry in ClinVar:

ClinVar aggregate classification (germline): Uncertain significance (1 of 4 stars; one submission).

gnomAD v4.1: 1 of 1,613,968 alleles (0.000062%); highest among the groups gnomAD compares: South Asian, 0.0011%; no homozygotes.

Submission:

Ambry Genetics
Classification: Uncertain significance. Last evaluated: 2023-03-22. Review status: criteria provided, single submitter. Criteria: Ambry Variant Classification Scheme 2023. Collection method: clinical testing. Allele origin: germline.
Comment: The p.A722T variant (also known as c.2164G>A), located in coding exon 18 of the RAD54L gene, results from a G to A substitution at nucleotide position 2164. The alanine at codon 722 is replaced by threonine, an amino acid with similar properties. This amino acid position is conserved. In addition, this alteration is predicted to be tolerated by in silico analysis. Since supporting evidence is limited at this time, the clinical significance of this alteration remains unclear.

NM_003579.4(RAD54L):c.2164G>A (p.Ala722Thr)

Genes: LRRC41 (leucine rich repeat containing 41; minus strand), RAD54L (RAD54 like; plus strand). Cytogenetic location: 1p34.1.
Variant type: single nucleotide variant.
Coding change: c.2164G>A on transcript NM_003579.4 (MANE Select); coding-DNA position 2164, G replaced by A.
Protein change: p.Ala722Thr; replaces alanine 722 with threonine.
Molecular consequence: missense variant. On other transcripts: 3 prime UTR variant (1).
Genome position (GRCh38, 1-based): chr1:46,278,202, G>A. VCF-style: chr1-46278202-G-A. GRCh37 (hg19) VCF-style: chr1-46743874-G-A.
Other names: c.*663C>T (NM_006369.5); c.2164G>A, p.Ala722Thr (NM_001142548.2); c.1624G>A, p.Ala542Thr (NM_001370766.1); short protein forms A542T, A722T.
Identifiers: ClinVar variation 2562784 (VCV002562784.2), dbSNP rs773848471, ClinGen allele CA340191370.